The following is an entry in ClinVar:

ClinVar aggregate classification (germline): Uncertain significance (1 of 4 stars; one submission).

Conditions:
Hereditary cancer-predisposing syndrome. Also called: Neoplastic Syndromes, Hereditary; Tumor predisposition; Hereditary neoplastic syndrome; Hereditary Cancer Syndrome. Identifiers: Orphanet 140162, MedGen C0027672, MeSH D009386, MONDO:0015356.

Submission:

Ambry Genetics
Classification: Uncertain significance for Hereditary cancer-predisposing syndrome. Last evaluated: 2026-07-07. Review status: criteria provided, single submitter. Criteria: Ambry Variant Classification Scheme 2023. Collection method: clinical testing. Allele origin: germline.
Comment: The p.E1061D variant (also known as c.3183G>T), located in coding exon 14 of the MET gene, results from a G to T substitution at nucleotide position 3183. The glutamic acid at codon 1061 is replaced by aspartic acid, an amino acid with highly similar properties. This amino acid position is conserved. In addition, this alteration is predicted to be tolerated by in silico analysis. Based on the available evidence, the clinical significance of this variant remains unclear.

NM_000245.4(MET):c.3183G>T (p.Glu1061Asp)

Gene: MET (MET proto-oncogene, receptor tyrosine kinase; plus strand). Cytogenetic location: 7q31.2.
Variant type: single nucleotide variant.
Coding change: c.3183G>T on transcript NM_000245.4 (MANE Select); coding-DNA position 3183, G replaced by T.
Protein change: p.Glu1061Asp; replaces glutamic acid 1061 with aspartic acid.
Molecular consequence: missense variant.
Genome position (GRCh38, 1-based): chr7:116,775,035, G>T. VCF-style: chr7-116775035-G-T. GRCh37 (hg19) VCF-style: chr7-116415089-G-T.
Other names: c.3237G>T, p.Glu1079Asp (NM_001127500.3); c.1893G>T, p.Glu631Asp (NM_001324402.2); short protein forms E631D, E1061D, E1079D.
Identifiers: ClinVar variation 5024401 (VCV005024401.1).